The following is an entry in ClinVar:

ClinVar aggregate classification (germline): Uncertain significance (1 of 4 stars; one submission).

Conditions:
Birt-Hogg-Dube syndrome. Also called: Birt Hogg Dubé syndrome. Identifiers: Orphanet 122, MedGen C0346010, MONDO:0800444.

Submission:

Labcorp Genetics (formerly Invitae), Labcorp
Classification: Uncertain significance for Birt-Hogg-Dube syndrome. Last evaluated: 2024-06-19. Review status: criteria provided, single submitter. Criteria: Invitae Variant Classification Sherloc (09022015). Collection method: clinical testing. Allele origin: germline.
Comment: This sequence change replaces glutamine, which is neutral and polar, with proline, which is neutral and non-polar, at codon 147 of the FLCN protein (p.Gln147Pro). This variant is not present in population databases (gnomAD no frequency). This variant has not been reported in the literature in individuals affected with FLCN-related conditions. ClinVar contains an entry for this variant (Variation ID: 1013660). Advanced modeling of protein sequence and biophysical properties (such as structural, functional, and spatial information, amino acid conservation, physicochemical variation, residue mobility, and thermodynamic stability) performed at Invitae indicates that this missense variant is not expected to disrupt FLCN protein function with a negative predictive value of 80%. In summary, the available evidence is currently insufficient to determine the role of this variant in disease. Therefore, it has been classified as a Variant of Uncertain Significance.

NM_144997.7(FLCN):c.440A>C (p.Gln147Pro)

Gene: FLCN (folliculin; minus strand). Cytogenetic location: 17p11.2.
Variant type: single nucleotide variant.
Coding change: c.440A>C on transcript NM_144997.7 (MANE Select); coding-DNA position 440, A replaced by C.
Protein change: p.Gln147Pro; replaces glutamine 147 with proline.
Molecular consequence: missense variant.
Genome position (GRCh38, 1-based): chr17:17,224,100, T>G on the plus strand (A>C on the coding strand, the complement: FLCN is on the minus strand). VCF-style: chr17-17224100-T-G. GRCh37 (hg19) VCF-style: chr17-17127414-T-G.
Other names: c.494A>C, p.Gln165Pro (NM_001353229.2); c.440A>C, p.Gln147Pro (NM_001353230.2, NM_001353231.2, NM_144606.7); short protein forms Q147P, Q165P.
Identifiers: ClinVar variation 1013660 (VCV001013660.5), dbSNP rs2047180211, ClinGen allele CA398534559.